The following is an entry in ClinVar:

ClinVar aggregate classification (germline): Uncertain significance (1 of 4 stars; one submission).

Allele frequency attached by ClinVar (database versions not stated): gnomAD exomes below 0.00001.
gnomAD v4.1: 1 of 1,613,536 alleles (0.000062%); highest among the groups gnomAD compares: Non-Finnish European, 0.000085%; no homozygotes.

Submission:

Labcorp Genetics (formerly Invitae), Labcorp
Classification: Uncertain significance. Last evaluated: 2025-02-18. Review status: criteria provided, single submitter. Criteria: Invitae Variant Classification Sherloc (09022015). Collection method: clinical testing. Allele origin: germline.
Comment: This sequence change replaces threonine, which is neutral and polar, with alanine, which is neutral and non-polar, at codon 1090 of the POLE protein (p.Thr1090Ala). This variant is not present in population databases (gnomAD no frequency). This variant has not been reported in the literature in individuals affected with POLE-related conditions. ClinVar contains an entry for this variant (Variation ID: 3001794). Invitae Evidence Modeling of protein sequence and biophysical properties (such as structural, functional, and spatial information, amino acid conservation, physicochemical variation, residue mobility, and thermodynamic stability) indicates that this missense variant is not expected to disrupt POLE protein function with a negative predictive value of 80%. In summary, the available evidence is currently insufficient to determine the role of this variant in disease. Therefore, it has been classified as a Variant of Uncertain Significance.

NM_006231.4(POLE):c.3268A>G (p.Thr1090Ala)

Gene: POLE (DNA polymerase epsilon, catalytic subunit; minus strand). Cytogenetic location: 12q24.33.
Variant type: single nucleotide variant.
Coding change: c.3268A>G on transcript NM_006231.4 (MANE Select); coding-DNA position 3268, A replaced by G.
Protein change: p.Thr1090Ala; replaces threonine 1090 with alanine.
Molecular consequence: missense variant.
Genome position (GRCh38, 1-based): chr12:132,659,302, T>C on the plus strand (A>G on the coding strand, the complement: POLE is on the minus strand). VCF-style: chr12-132659302-T-C. GRCh37 (hg19) VCF-style: chr12-133235888-T-C.
Other names: short protein forms T1090A.
Identifiers: ClinVar variation 3001794 (VCV003001794.3), dbSNP rs2138674072, ClinGen allele CA387390229.
Genomic context (GRCh38, chr12:132,659,302, plus strand): 5'-CCTGTCCGTGATGGGAGGAGCCCTCACCTCTCCGTGATGGGGGGAGCCCTCACCTCTCCG[T>C]GACAGGGGAGCCCTCGGGCTTGCGGGAGATGATGTAGCGGCAACTCAGCCCTGCATCCTT-3'
Protein context (NP_006222.2, residues 1080-1100): ISRKPEGSPV[Thr1090Ala]ERAIPLAIFQ